The following is an entry in ClinVar:

NM_016599.5(MYOZ2):c.178A>T (p.Met60Leu)

Gene: MYOZ2 (myozenin 2; plus strand). Cytogenetic location: 4q26.
Variant type: single nucleotide variant.
Coding change: c.178A>T on transcript NM_016599.5 (MANE Select); coding-DNA position 178, A replaced by T.
Protein change: p.Met60Leu; replaces methionine 60 with leucine.
Molecular consequence: missense variant.
Genome position (GRCh38, 1-based): chr4:119,150,973, A>T. VCF-style: chr4-119150973-A-T. GRCh37 (hg19) VCF-style: chr4-120072128-A-T.
Other names: c.178A>T (NM_016599.4); short protein forms M60L.
Identifiers: ClinVar variation 1439509 (VCV001439509.7), dbSNP rs2149221474, ClinGen allele CA358203608.
Genomic context (GRCh38, chr4:119,150,973, plus strand): 5'-AGAGACATCATGTTGGAAGAATTATCCCATCTCAGTAACCGTGGTGCCAGGCTATTTAAG[A>T]TGCGTCAAAGAAGATCTGACAAATACACATTTGAAAATTTCCAGTATCAATCTAGAGCAC-3'
Protein context (NP_057683.1, residues 50-70): LSNRGARLFK[Met60Leu]RQRRSDKYTF

ClinVar aggregate classification (germline): Uncertain significance. Review status: criteria provided, multiple submitters, no conflicts (2 of 4 stars). 2 submissions from 2 submitters: Uncertain significance (2). Last evaluated 2023-04-09.

Conditions:
Cardiovascular phenotype. Identifiers: MedGen CN230736.
Hypertrophic cardiomyopathy. Also called: HYPERTROPHIC MYOCARDIOPATHY. Identifiers: Orphanet 217569, MedGen C0007194, MeSH D002312, MONDO:0005045, HP:0001639.

Submissions (2):

Ambry Genetics
Classification: Uncertain significance for Cardiovascular phenotype. Last evaluated: 2023-04-09. Review status: criteria provided, single submitter. Criteria: Ambry Variant Classification Scheme 2023. Collection method: clinical testing. Allele origin: germline.
Comment: The p.M60L variant (also known as c.178A>T), located in coding exon 2 of the MYOZ2 gene, results from an A to T substitution at nucleotide position 178. The methionine at codon 60 is replaced by leucine, an amino acid with highly similar properties. This amino acid position is conserved. In addition, this alteration is predicted to be tolerated by in silico analysis. Since supporting evidence is limited at this time, the clinical significance of this alteration remains unclear.

Labcorp Genetics (formerly Invitae), Labcorp
Classification: Uncertain significance for Hypertrophic cardiomyopathy. Last evaluated: 2021-09-23. Review status: criteria provided, single submitter. Criteria: Invitae Variant Classification Sherloc (09022015). Collection method: clinical testing. Allele origin: germline.
Comment: This sequence change replaces methionine with leucine at codon 60 of the MYOZ2 protein (p.Met60Leu). The methionine residue is highly conserved and there is a small physicochemical difference between methionine and leucine. This variant is not present in population databases (ExAC no frequency). This variant has not been reported in the literature in individuals affected with MYOZ2-related conditions. Algorithms developed to predict the effect of missense changes on protein structure and function (SIFT, PolyPhen-2, Align-GVGD) all suggest that this variant is likely to be tolerated. In summary, the available evidence is currently insufficient to determine the role of this variant in disease. Therefore, it has been classified as a Variant of Uncertain Significance.